The following is an entry in ClinVar:

NM_201384.3(PLEC):c.5228C>T (p.Ala1743Val)

Gene: PLEC (plectin; minus strand). Cytogenetic location: 8q24.3.
Variant type: single nucleotide variant.
Coding change: c.5228C>T on transcript NM_201384.3 (MANE Select); coding-DNA position 5228, C replaced by T.
Protein change: p.Ala1743Val; replaces alanine 1743 with valine.
Molecular consequence: missense variant.
Genome position (GRCh38, 1-based): chr8:143,924,701, G>A on the plus strand (C>T on the coding strand, the complement: PLEC is on the minus strand). VCF-style: chr8-143924701-G-A. GRCh37 (hg19) VCF-style: chr8-144998869-G-A.
Other names: c.5309C>T (NM_000445.3); c.5309C>T, p.Ala1770Val (NM_000445.5); c.5186C>T, p.Ala1729Val (NM_201378.4); c.5162C>T, p.Ala1721Val (NM_201379.3); c.5639C>T, p.Ala1880Val (NM_201380.4); c.5132C>T, p.Ala1711Val (NM_201381.3); c.5228C>T, p.Ala1743Val (NM_201382.4); c.5240C>T, p.Ala1747Val (NM_201383.3); short protein forms A1743V, A1747V, A1711V, A1721V, A1729V, A1770V, A1880V.
Identifiers: ClinVar variation 1992485 (VCV001992485.6), dbSNP rs913121938, ClinGen allele CA187616134.

ClinVar aggregate classification (germline): Uncertain significance. Review status: criteria provided, multiple submitters, no conflicts (2 of 4 stars). 2 submissions from 2 submitters: Uncertain significance (2). Last evaluated 2023-03-14.

Conditions:
Epidermolysis bullosa simplex 5B, with muscular dystrophy (EBS5B). Also called: EPIDERMOLYSIS BULLOSA SIMPLEX AND LIMB-GIRDLE MUSCULAR DYSTROPHY; Epidermolysis bullosa simplex with muscular dystrophy. Identifiers: Orphanet 257, MedGen C2931072, MONDO:0009181, OMIM 226670.
Epidermolysis bullosa simplex, Ogna type (EBS5A). Also called: EPIDERMOLYSIS BULLOSA SIMPLEX 5A, OGNA TYPE; Pidermolysis bullosa simplex 5A, Ogna type. Identifiers: Orphanet 79401, MedGen C0432317, MONDO:0007555, OMIM 131950.
Epidermolysis bullosa simplex 5C, with pyloric atresia (EBS5C). Also called: PLEC-Related Epidermolysis Bullosa with Pyloric Atresia; Epidermolysis bullosa simplex with pyloric atresia; PLEC1-Related Epidermolysis Bullosa with Pyloric Atresia. Identifiers: Orphanet 158684, MedGen C2677349, MONDO:0012807, OMIM 612138.
Autosomal recessive limb-girdle muscular dystrophy type 2Q (LGMDR17). Also called: MUSCULAR DYSTROPHY, LIMB-GIRDLE, AUTOSOMAL RECESSIVE 17. Identifiers: Orphanet 254361, MedGen C3150989, MONDO:0013390, OMIM 613723.
Epidermolysis bullosa simplex with nail dystrophy (EBS5D). Identifiers: MedGen C4225309, MONDO:0014661, OMIM 616487.
Inborn genetic diseases. Identifiers: MedGen C0950123, MeSH D030342.

Allele frequency attached by ClinVar (database versions not stated): gnomAD exomes 0.00001; gnomAD 0.00002; TOPMed 0.00003.
gnomAD v4.1: 17 of 1,533,594 alleles (0.0011%); highest among the groups gnomAD compares: African/African-American, 0.0027%; no homozygotes.

Submissions (2):

Ambry Genetics
Classification: Uncertain significance for Inborn genetic diseases. Last evaluated: 2023-03-14. Review status: criteria provided, single submitter. Criteria: Ambry Variant Classification Scheme 2023. Collection method: clinical testing. Allele origin: germline.

Labcorp Genetics (formerly Invitae), Labcorp
Classification: Uncertain significance for Autosomal recessive limb-girdle muscular dystrophy type 2Q; Epidermolysis bullosa simplex, Ogna type; Epidermolysis bullosa simplex with nail dystrophy; Epidermolysis bullosa simplex 5C, with pyloric atresia; Epidermolysis bullosa simplex 5B, with muscular dystrophy. Last evaluated: 2022-06-14. Review status: criteria provided, single submitter. Criteria: Invitae Variant Classification Sherloc (09022015). Collection method: clinical testing. Allele origin: germline.
Comment: This sequence change replaces alanine, which is neutral and non-polar, with valine, which is neutral and non-polar, at codon 1770 of the PLEC protein (p.Ala1770Val). The frequency data for this variant in the population databases is considered unreliable, as metrics indicate poor data quality at this position in the gnomAD database. In summary, the available evidence is currently insufficient to determine the role of this variant in disease. Therefore, it has been classified as a Variant of Uncertain Significance. Algorithms developed to predict the effect of missense changes on protein structure and function output the following: SIFT: "Tolerated"; PolyPhen-2: "Not Available"; Align-GVGD: "Class C0". The valine amino acid residue is found in multiple mammalian species, which suggests that this missense change does not adversely affect protein function. This variant has not been reported in the literature in individuals affected with PLEC-related conditions.